The following is an entry in ClinVar:

NM_145064.3(STAC3):c.862A>T (p.Lys288Ter)

Gene: STAC3 (SH3 and cysteine rich domain 3; minus strand). Cytogenetic location: 12q13.3.
Variant type: single nucleotide variant.
Coding change: c.862A>T on transcript NM_145064.3 (MANE Select); coding-DNA position 862, A replaced by T.
Protein change: p.Lys288Ter; replaces lysine 288 with a stop codon.
Molecular consequence: nonsense. On other transcripts: non-coding transcript variant (1).
Genome position (GRCh38, 1-based): chr12:57,244,222, T>A on the plus strand (A>T on the coding strand, the complement: STAC3 is on the minus strand). VCF-style: chr12-57244222-T-A. GRCh37 (hg19) VCF-style: chr12-57638005-T-A.
Other names: c.745A>T, p.Lys249Ter (NM_001286256.2); c.304A>T, p.Lys102Ter (NM_001286257.2); short protein forms K288*, K249*, K102*.
Identifiers: ClinVar variation 425007 (VCV000425007.60), dbSNP rs371720347, ClinGen allele CA6646959.

ClinVar aggregate classification (germline): Pathogenic/Likely pathogenic. Review status: criteria provided, multiple submitters, no conflicts (2 of 4 stars). 6 submissions from 6 submitters: Pathogenic (3); Likely pathogenic (1). 2 of the submissions do not count toward it. Last evaluated 2026-01-21.

Conditions:
Inborn genetic diseases. Identifiers: MedGen C0950123, MeSH D030342.
Bailey-Bloch congenital myopathy (CMYO13). Also called: Native American myopathy; Congenital myopathy 13; STAC3 disorder. Identifiers: Orphanet 168572, MedGen C1850625, MONDO:0009722, OMIM 255995.

Allele frequency attached by ClinVar (database versions not stated): TOPMed 0.00003; ESP Exome Variant Server 0.00008; gnomAD 0.00022; 1000 Genomes Project 30x 0.00031.
gnomAD v4.1: 80 of 1,614,122 alleles (0.005%); highest among the groups gnomAD compares: Admixed American, 0.012%; no homozygotes.

Submissions (7):

Labcorp Genetics (formerly Invitae), Labcorp
Classification: Pathogenic for Bailey-Bloch congenital myopathy. Last evaluated: 2026-01-21. Review status: criteria provided, single submitter. Criteria: Invitae Variant Classification Sherloc (09022015). Collection method: clinical testing. Allele origin: germline.
Comment: This sequence change creates a premature translational stop signal (p.Lys288*) in the STAC3 gene. It is expected to result in an absent or disrupted protein product. Loss-of-function variants in STAC3 are known to be pathogenic (PMID: 28411587, 28777491). This variant is present in population databases (rs371720347, gnomAD 0.02%). This premature translational stop signal has been observed in individual(s) with congenital myopathy (PMID: 28411587). ClinVar contains an entry for this variant (Variation ID: 425007). For these reasons, this variant has been classified as Pathogenic.

Laboratory of Genetics, Children's Clinical University Hospital Latvia
Classification: Pathogenic. Last evaluated: 2025-02-16. Review status: criteria provided, single submitter. Criteria: ACMG Guidelines, 2015. Collection method: clinical testing. Allele origin: germline. Affected: yes.

Ambry Genetics
Classification: Pathogenic for Inborn genetic diseases. Last evaluated: 2019-07-15. Review status: criteria provided, single submitter. Criteria: Ambry exome assertion method (8-5-2015). Collection method: clinical testing. Allele origin: germline. Affected: yes. Observed: 1 variant allele.

CeGaT Center for Human Genetics Tuebingen
Classification: Likely pathogenic. Last evaluated: 2016-05-01. Review status: criteria provided, single submitter. Criteria: CeGaT Center For Human Genetics Tuebingen Variant Classification Criteria Version 2. Collection method: clinical testing. Allele origin: germline. Affected: yes. Observed: 1 variant allele.

OMIM
Classification: Pathogenic for CONGENITAL MYOPATHY 13. Last evaluated: 2024-07-16. Review status: no assertion criteria provided. Collection method: literature only. Allele origin: germline. Not counted in ClinVar's aggregate classification.

Dr. Peter K. Rogan Lab, Western University
No classification provided (evidence only). Condition: Gastric cancer. Review status: no classification provided. Collection method: in vitro. Allele origin: not applicable. Functional consequence: retained intron. Not counted in ClinVar's aggregate classification.

GeneReviews
No classification provided. Condition: Bailey-Bloch congenital myopathy. Review status: no classification provided. Collection method: literature only. Allele origin: germline. Not counted in ClinVar's aggregate classification.

Literature cited by the submitters: PubMed 28411587 (cited by 4 submitters); PubMed 28777491 (cited by Labcorp Genetics (formerly Invitae), Labcorp); PubMed 31219695 (cited by GeneReviews).